The following is an entry in ClinVar:

NM_003072.5(SMARCA4):c.2236_2239del (p.Ser746fs)

Gene: SMARCA4 (SWI/SNF related BAF chromatin remodeling complex subunit ATPase 4; plus strand). Cytogenetic location: 19p13.2.
Variant type: Deletion.
Coding change: c.2236_2239del on transcript NM_003072.5 (MANE Select); coding-DNA positions 2236 to 2239, 4 bases deleted (TCAG; older notation c.2236_2239delTCAG).
Protein change: p.Ser746fs; shifts the reading frame from serine 746.
Molecular consequence: frameshift variant. On other transcripts: non-coding transcript variant (1).
Genome position (GRCh38, 1-based): chr19:11,010,493-11,010,496, TCAG deleted; deleting any 4 consecutive bases within chr19:11,010,490-11,010,496 gives the same sequence; the c. name uses the placement nearest the transcript's 3' end. VCF-style (leftmost placement, unchanged base first): chr19-11010489-GCAGT-G. GRCh37 (hg19) VCF-style: chr19-11121165-GCAGT-G.
Other names: c.2236_2239del, p.Ser746fs (NM_001128844.3, NM_001128845.2, NM_001128846.2 and 5 more transcripts); c.2236_2239delTCAG, p.Ser746Argfs (NM_001411150.1); short protein forms S746fs.
Identifiers: ClinVar variation 1788188 (VCV001788188.2), dbSNP rs2514637870, ClinGen allele CA2580096246.

ClinVar aggregate classification (germline): Pathogenic (1 of 4 stars; one submission).

Conditions:
Hereditary cancer-predisposing syndrome. Also called: Neoplastic Syndromes, Hereditary; Tumor predisposition; Hereditary Cancer Syndrome; Hereditary neoplastic syndrome. Identifiers: Orphanet 140162, MedGen C0027672, MeSH D009386, MONDO:0015356.

Submission:

Ambry Genetics
Classification: Pathogenic for Hereditary cancer-predisposing syndrome. Last evaluated: 2022-02-16. Review status: criteria provided, single submitter. Criteria: Ambry Variant Classification Scheme 2023. Collection method: clinical testing. Allele origin: germline.
Comment: The c.2236_2239delTCAG pathogenic mutation, located in coding exon 14 of the SMARCA4 gene, results from a deletion of 4 nucleotides at nucleotide positions 2236 to 2239, causing a translational frameshift with a predicted alternate stop codon (p.S746Rfs*27). This alteration is expected to result in loss of function by premature protein truncation or nonsense-mediated mRNA decay. This variant is considered to be rare based on population cohorts in the Genome Aggregation Database (gnomAD). Loss-of-function variants in SMARCA4 are known to cause rhabdoid tumor predisposition syndrome including small cell carcinoma of the ovary-hypercalcemic type (SCCOHT); however, such associations with neurodevelopmental disorders are exceedingly rare (Kosho T et al. Am J Med Genet C Semin Med Genet. 2014 Sep;166C(3):262-75; Jelinic P et al. Nat Genet. 2014 May;46(5):424-6). Based on the supporting evidence, this alteration is pathogenic for rhabdoid tumor predisposition syndrome; however, the association of this alteration with Coffin-Siris syndrome is unlikely.